The following is an entry in ClinVar:

ClinVar aggregate classification (germline): Conflicting classifications of pathogenicity. Review status: criteria provided, conflicting classifications (1 of 4 stars). 5 submissions from 5 submitters: Uncertain significance (3); Likely benign (2). Last evaluated 2025-08-17.

Conditions:
Hereditary breast ovarian cancer syndrome. Also called: BRCA1- and BRCA2-Associated Hereditary Breast and Ovarian Cancer; Hereditary breast and/or ovarian cancer syndrome; Hereditary breast and ovarian cancer syndrome; Hereditary breast and ovarian cancer; Hereditary breast and ovarian cancer syndrome (HBOC); Breast and ovarian cancer. Identifiers: Orphanet 145, MedGen C0677776, MeSH D061325, MONDO:0003582. Disease mechanism: loss of function.
Hereditary cancer-predisposing syndrome. Also called: Hereditary neoplastic syndrome; Neoplastic Syndromes, Hereditary; Tumor predisposition; Hereditary Cancer Syndrome. Identifiers: Orphanet 140162, MedGen C0027672, MeSH D009386, MONDO:0015356.

Submissions (5):

Labcorp Genetics (formerly Invitae), Labcorp
Classification: Likely benign for Hereditary breast ovarian cancer syndrome. Last evaluated: 2025-08-17. Review status: criteria provided, single submitter. Criteria: Invitae Variant Classification Sherloc (09022015). Collection method: clinical testing. Allele origin: germline.

Women's Health and Genetics/Laboratory Corporation of America, LabCorp
Classification: Uncertain significance. Last evaluated: 2025-07-31. Review status: criteria provided, single submitter. Criteria: LabCorp Variant Classification Summary - May 2015. Collection method: clinical testing. Allele origin: germline.
Comment: Variant summary: BRCA2 c.10183delG (p.Glu3395ArgfsX32) causes a frameshift which results in an extension of the protein. The variant was absent in 251128 control chromosomes. The available data on variant occurrences in the general population are insufficient to allow any conclusion about variant significance. To our knowledge, no occurrence of c.10183delG in individuals affected with Hereditary Breast And Ovarian Cancer Syndrome and no experimental evidence demonstrating its impact on protein function have been reported. ClinVar contains an entry for this variant (Variation ID: 421990). Based on the evidence outlined above, the variant was classified as uncertain significance.

Color Diagnostics, LLC DBA Color Health
Classification: Uncertain significance for Hereditary cancer-predisposing syndrome. Last evaluated: 2025-07-09. Review status: criteria provided, single submitter. Criteria: ACMG Guidelines, 2015. Collection method: clinical testing. Allele origin: germline.
Comment: This variant deletes 1 nucleotide in exon 27 of the BRCA2 gene, creating a frameshift.\\ This frameshift is not expected to trigger nonsense-mediated decay. This variant is expected to alter the C-terminal protein sequence starting at codon 3395 and extending the protein by 7 a.a. compared to the reference BRCA2 protein. To our knowledge, functional studies on the impact of this variant on BRCA2 has not been reported nor has this variant been reported in individuals affected with BRCA2-related disorders in the literature. This variant has not been identified in the general population by the Genome Aggregation Database (gnomAD). Loss of BRCA2 function is a known mechanism of disease. The available evidence is insufficient to determine the role of this variant in disease conclusively. Therefore, this variant is classified as a Variant of Uncertain Significance.

Ambry Genetics
Classification: Uncertain significance for Hereditary cancer-predisposing syndrome. Last evaluated: 2025-01-16. Review status: criteria provided, single submitter. Criteria: Ambry Variant Classification Scheme 2023. Collection method: clinical testing. Allele origin: germline.
Comment: The c.10183delG variant, located in coding exon 26 of the BRCA2 gene, results from a deletion of one nucleotide at nucleotide position 10183, causing a translational frameshift with a predicted alternate stop codon (p.E3395Rfs*32). This alteration occurs at the 3' terminus of the BRCA2 gene, is not expected to trigger nonsense-mediated mRNA decay and results in the elongation of the protein by 7 amino acids. This frameshift impacts the last 24 amino acids of the native protein. The exact functional effect of the altered amino acids is unknown. Based on the available evidence, the clinical significance of this variant remains unclear.

GeneDx
Classification: Likely benign. Last evaluated: 2022-04-30. Review status: criteria provided, single submitter. Criteria: GeneDx Variant Classification Process June 2021. Collection method: clinical testing. Allele origin: germline. Affected: yes.
Comment: See Variant Classification Assertion Criteria.

NM_000059.4(BRCA2):c.10183del (p.Glu3395fs)

Gene: BRCA2 (BRCA2 DNA repair associated; plus strand). Cytogenetic location: 13q13.1.
Variant type: Deletion.
Coding change: c.10183del on transcript NM_000059.4 (MANE Select); coding-DNA position 10183, one base deleted (G; older notation c.10183delG).
Protein change: p.Glu3395fs; shifts the reading frame from glutamic acid 3395.
Molecular consequence: frameshift variant.
Genome position (GRCh38, 1-based): chr13:32,398,696, G deleted; the last of 2 consecutive G bases (chr13:32,398,695-32,398,696); deleting either gives the same sequence. VCF-style (leftmost placement, unchanged base first): chr13-32398694-AG-A. GRCh37 (hg19) VCF-style: chr13-32972831-AG-A.
Other names: c.10183delG (NM_000059.3, NM_000059.4); short protein forms E3395fs.
Identifiers: ClinVar variation 421990 (VCV000421990.19), dbSNP rs1064795488, ClinGen allele CA16619804.